The following is an entry in ClinVar:

NM_001008537.3(NEXMIF):c.397G>C (p.Ala133Pro)

Gene: NEXMIF (neurite extension and migration factor; minus strand). Cytogenetic location: Xq13.3.
Variant type: single nucleotide variant.
Coding change: c.397G>C on transcript NM_001008537.3 (MANE Select); coding-DNA position 397, G replaced by C.
Protein change: p.Ala133Pro; replaces alanine 133 with proline.
Molecular consequence: missense variant.
Genome position (GRCh38, 1-based): chrX:74,744,160, C>G on the plus strand (G>C on the coding strand, the complement: NEXMIF is on the minus strand). VCF-style: chrX-74744160-C-G. GRCh37 (hg19) VCF-style: chrX-73963995-C-G.
Other names: short protein forms A133P.
Identifiers: ClinVar variation 3731004 (VCV003731004.1).

ClinVar aggregate classification (germline): Uncertain significance (1 of 4 stars; one submission).

Submission:

GeneDx
Classification: Uncertain significance. Last evaluated: 2024-08-14. Review status: criteria provided, single submitter. Criteria: GeneDx Variant Classification Process June 2021. Collection method: clinical testing. Allele origin: germline. Affected: yes.
Comment: Not observed at significant frequency in large population cohorts (gnomAD); In silico analysis indicates that this missense variant does not alter protein structure/function; Has not been previously published as pathogenic or benign to our knowledge